The following is an entry in ClinVar:

NM_005609.4(PYGM):c.1759_1760insGGTGTTCAACC (p.Leu587fs)

Gene: PYGM (glycogen phosphorylase, muscle associated; minus strand). Cytogenetic location: 11q13.1.
Variant type: Insertion.
Coding change: c.1759_1760insGGTGTTCAACC on transcript NM_005609.4 (MANE Select); coding-DNA positions 1759 to 1760, GGTGTTCAACC inserted.
Protein change: p.Leu587fs; shifts the reading frame from leucine 587.
Molecular consequence: frameshift variant.
Genome position: GRCh38 VCF-style: chr11-64751932-A-AGGTTGAACACC. GRCh37 (hg19) VCF-style: chr11-64519404-A-AGGTTGAACACC.
Other names: c.1495_1496insGGTGTTCAACC, p.Leu499fs (NM_001164716.1); short protein forms L499fs, L587fs.
Identifiers: ClinVar variation 5012665 (VCV005012665.1).

ClinVar aggregate classification (germline): Pathogenic (1 of 4 stars; one submission).

Conditions:
Glycogen storage disease, type V (GSD5). Also called: MCARDLE DISEASE; MUSCLE GLYCOGEN PHOSPHORYLASE DEFICIENCY; MYOPHOSPHORYLASE DEFICIENCY; PYGM DEFICIENCY; McArdle type glycogen storage disease. Identifiers: Orphanet 368, MedGen C0017924, MONDO:0009293, OMIM 232600.

Submission:

Myriad Genetics, Inc.
Classification: Pathogenic for Glycogen storage disease, type V. Last evaluated: 2024-01-22. Review status: criteria provided, single submitter. Criteria: Myriad Autosomal Dominant, Autosomal Recessive and X-Linked Classification Criteria (2023). Collection method: clinical testing. Allele origin: unknown.
Comment: NM_005609.2(PYGM):c.1759_1760ins11(L587Rfs*22) is expected to be pathogenic in the context of glycogen storage disease, PYGM-related. This variant is predicted to lead to an abnormal or absent protein product due to the creation of a premature termination codon in PYGM, a gene where loss-of-function variants are known to be pathogenic. Please note: this variant was assessed in the context of healthy population screening.